The following is an entry in ClinVar:

ClinVar aggregate classification (germline): Uncertain significance (1 of 4 stars; one submission).

Conditions:
Arrhythmogenic cardiomyopathy with wooly hair and keratoderma. Also called: Dilated cardiomyopathy with woolly hair and keratoderma; Carvajal syndrome; PALMOPLANTAR KERATODERMA WITH LEFT VENTRICULAR CARDIOMYOPATHY AND WOOLLY HAIR; Arrhythmogenic cardiomyopathy with woolly hair and keratoderma. Identifiers: Orphanet 65282, MedGen C1854063, MONDO:0011581, OMIM 605676.
Arrhythmogenic right ventricular dysplasia 8 (ARVD8). Also called: ARRHYTHMOGENIC RIGHT VENTRICULAR DYSPLASIA, FAMILIAL, 8; ARRHYTHMOGENIC RIGHT VENTRICULAR CARDIOMYOPATHY 8; Arrhythmogenic Right Ventricular Dysplasia/Cardiomyopathy 8. Identifiers: MedGen C1843896, MONDO:0011831, OMIM 607450.

Submission:

Labcorp Genetics (formerly Invitae), Labcorp
Classification: Uncertain significance for Arrhythmogenic cardiomyopathy with wooly hair and keratoderma; Arrhythmogenic right ventricular dysplasia 8. Last evaluated: 2023-09-22. Review status: criteria provided, single submitter. Criteria: Invitae Variant Classification Sherloc (09022015). Collection method: clinical testing. Allele origin: germline.
Comment: In summary, the available evidence is currently insufficient to determine the role of this variant in disease. Therefore, it has been classified as a Variant of Uncertain Significance. An algorithm developed to predict the effect of missense changes on protein structure and function (PolyPhen-2) suggests that this variant is likely to be disruptive. ClinVar contains an entry for this variant (Variation ID: 1035519). This variant has not been reported in the literature in individuals affected with DSP-related conditions. This variant is not present in population databases (gnomAD no frequency). This sequence change replaces cysteine, which is neutral and slightly polar, with phenylalanine, which is neutral and non-polar, at codon 81 of the DSP protein (p.Cys81Phe).

NM_004415.4(DSP):c.242G>T (p.Cys81Phe)

Gene: DSP (desmoplakin; plus strand). Cytogenetic location: 6p24.3.
Variant type: single nucleotide variant.
Coding change: c.242G>T on transcript NM_004415.4 (MANE Select); coding-DNA position 242, G replaced by T.
Protein change: p.Cys81Phe; replaces cysteine 81 with phenylalanine.
Molecular consequence: missense variant.
Genome position (GRCh38, 1-based): chr6:7,555,789, G>T. VCF-style: chr6-7555789-G-T. GRCh37 (hg19) VCF-style: chr6-7556022-G-T.
Other names: c.242G>T, p.Cys81Phe (NM_001008844.3, NM_001319034.2); short protein forms C81F.
Identifiers: ClinVar variation 1035519 (VCV001035519.9), dbSNP rs140965835, ClinGen allele CA362670829.